The following is an entry in ClinVar:

ClinVar aggregate classification (germline): Uncertain significance (1 of 4 stars; one submission).

Conditions:
Hereditary cancer-predisposing syndrome. Also called: Tumor predisposition; Neoplastic Syndromes, Hereditary; Hereditary neoplastic syndrome; Hereditary Cancer Syndrome. Identifiers: Orphanet 140162, MedGen C0027672, MeSH D009386, MONDO:0015356.

Submission:

Ambry Genetics
Classification: Uncertain significance for Hereditary cancer-predisposing syndrome. Last evaluated: 2025-07-09. Review status: criteria provided, single submitter. Criteria: Ambry Variant Classification Scheme 2023. Collection method: clinical testing. Allele origin: germline.
Comment: The p.E10A variant (also known as c.29A>C), located in coding exon 2 of the MRE11A gene, results from an A to C substitution at nucleotide position 29. The glutamic acid at codon 10 is replaced by alanine, an amino acid with dissimilar properties. This amino acid position is conserved. In addition, the in silico prediction for this alteration is inconclusive. Based on the available evidence, the clinical significance of this variant remains unclear.

NM_005591.4(MRE11):c.29A>C (p.Glu10Ala)

Gene: MRE11 (MRE11 double strand break repair nuclease; minus strand). Cytogenetic location: 11q21.
Variant type: single nucleotide variant.
Coding change: c.29A>C on transcript NM_005591.4 (MANE Select); coding-DNA position 29, A replaced by C.
Protein change: p.Glu10Ala; replaces glutamic acid 10 with alanine.
Molecular consequence: missense variant. On other transcripts: 5 prime UTR variant (6).
Genome position (GRCh38, 1-based): chr11:94,490,957, T>G on the plus strand (A>C on the coding strand, the complement: MRE11 is on the minus strand). VCF-style: chr11-94490957-T-G. GRCh37 (hg19) VCF-style: chr11-94224123-T-G.
Other names: c.29A>C, p.Glu10Ala (NM_001440462.1, NM_001440463.1, NM_001440464.1 and 21 more transcripts); c.-47A>C (NM_001440471.1, NM_001440472.1, NM_001440479.1); c.-436A>C (NM_001440485.1, NM_001440486.1, NM_001440487.1); short protein forms E10A.
Identifiers: ClinVar variation 4110066 (VCV004110066.1).